The following is an entry in ClinVar:

ClinVar aggregate classification (germline): Uncertain significance (1 of 4 stars; one submission).

Conditions:
Pontocerebellar hypoplasia type 7. Identifiers: Orphanet 284339, MedGen C3554226, MONDO:0013993, OMIM 614969.

Submission:

Neuberg Centre For Genomic Medicine, NCGM
Classification: Uncertain significance for Pontocerebellar hypoplasia type 7. Last evaluated: 2024-02-01. Review status: criteria provided, single submitter. Criteria: ACMG Guidelines, 2015. Collection method: clinical testing. Allele origin: germline. Inheritance: Autosomal recessive inheritance.
Comment: The missense c.398T>C (p.Ile133Thr) variant in TOE1 gene has not been reported previously as a pathogenic variant nor as a benign variant, to our knowledge.

NM_025077.4(TOE1):c.398T>C (p.Ile133Thr)

Gene: TOE1 (target of EGR1, exonuclease; plus strand). Cytogenetic location: 1p34.1.
Variant type: single nucleotide variant.
Coding change: c.398T>C on transcript NM_025077.4 (MANE Select); coding-DNA position 398, T replaced by C.
Protein change: p.Ile133Thr; replaces isoleucine 133 with threonine.
Molecular consequence: missense variant.
Genome position (GRCh38, 1-based): chr1:45,342,013, T>C. VCF-style: chr1-45342013-T-C. GRCh37 (hg19) VCF-style: chr1-45807685-T-C.
Other names: short protein forms I133T.
Identifiers: ClinVar variation 3898052 (VCV003898052.1).